The following is an entry in ClinVar:

NM_001365308.1(BMPER):c.*1067C>T

Gene: BMPER (BMP binding endothelial regulator; plus strand). Cytogenetic location: 7p14.3.
Variant type: single nucleotide variant.
Coding change: c.*1067C>T on transcript NM_001365308.1 (MANE Select); 1067 bases downstream of the stop codon, C replaced by T.
Molecular consequence: 3 prime UTR variant.
Genome position (GRCh38, 1-based): chr7:34,154,340, C>T. VCF-style: chr7-34154340-C-T. GRCh37 (hg19) VCF-style: chr7-34193952-C-T.
Other names: c.*1067C>T (NM_133468.5).
Identifiers: ClinVar variation 360135 (VCV000360135.5), dbSNP rs17169667, ClinGen allele CA10629156.

ClinVar aggregate classification (germline): Benign (1 of 4 stars; one submission).

Conditions:
Diaphanospondylodysostosis. Also called: VERTEBRAL OSSIFICATION, DEFECT IN, WITH NEPHROGENIC RESTS. Identifiers: Orphanet 66637, MedGen C1842691, MONDO:0011946, OMIM 608022.

Allele frequency attached by ClinVar (database versions not stated): 1000 Genomes Project 0.21625; gnomAD 0.22532 and 0.23581; 1000 Genomes Project 30x 0.23189; TOPMed 0.24452.

Submission:

Illumina Laboratory Services, Illumina
Classification: Benign for Diaphanospondylodysostosis. Last evaluated: 2018-01-13. Review status: criteria provided, single submitter. Criteria: ICSL Variant Classification Criteria 13 December 2019. Collection method: clinical testing. Allele origin: germline.
Comment: This variant was observed in the ICSL laboratory as part of a predisposition screen in an ostensibly healthy population. It had not been previously curated by ICSL or reported in the Human Gene Mutation Database (HGMD: prior to June 1st, 2018), and was therefore a candidate for classification through an automated scoring system. Utilizing variant allele frequency, disease prevalence and penetrance estimates, and inheritance mode, an automated score was calculated to assess if this variant is too frequent to cause the disease. Based on the score and internal cut-off values, a variant classified as benign is not then subjected to further curation. The score for this variant resulted in a classification of benign for this disease.